The following is an entry in ClinVar:

NM_001987.5(ETV6):c.1082A>G (p.Glu361Gly)

Genes: ETV6 (ETS variant transcription factor 6; plus strand), LOC126861452 (CDK7 strongly-dependent group 2 enhancer GRCh37_chr12:12037195-12038394; plus strand). Cytogenetic location: 12p13.2.
Variant type: single nucleotide variant.
Coding change: c.1082A>G on transcript NM_001987.5 (MANE Select); coding-DNA position 1082, A replaced by G.
Protein change: p.Glu361Gly; replaces glutamic acid 361 with glycine.
Molecular consequence: missense variant.
Genome position (GRCh38, 1-based): chr12:11,884,517, A>G. VCF-style: chr12-11884517-A-G. GRCh37 (hg19) VCF-style: chr12-12037451-A-G.
Other names: short protein forms E361G.
Identifiers: ClinVar variation 1719063 (VCV001719063.6), dbSNP rs2498176229, ClinGen allele CA384044626.

ClinVar aggregate classification (germline): Uncertain significance (1 of 4 stars; one submission).

Submission:

Labcorp Genetics (formerly Invitae), Labcorp
Classification: Uncertain significance. Last evaluated: 2022-11-01. Review status: criteria provided, single submitter. Criteria: Invitae Variant Classification Sherloc (09022015). Collection method: clinical testing. Allele origin: germline.
Comment: In summary, the available evidence is currently insufficient to determine the role of this variant in disease. Therefore, it has been classified as a Variant of Uncertain Significance. Advanced modeling of protein sequence and biophysical properties (such as structural, functional, and spatial information, amino acid conservation, physicochemical variation, residue mobility, and thermodynamic stability) performed at Invitae indicates that this missense variant is expected to disrupt ETV6 protein function. This variant has not been reported in the literature in individuals affected with ETV6-related conditions. This variant is not present in population databases (gnomAD no frequency). This sequence change replaces glutamic acid, which is acidic and polar, with glycine, which is neutral and non-polar, at codon 361 of the ETV6 protein (p.Glu361Gly).